The following is an entry in ClinVar:

NM_004304.5(ALK):c.2360A>G (p.Asn787Ser)

Gene: ALK (ALK receptor tyrosine kinase; minus strand). Cytogenetic location: 2p23.2.
Variant type: single nucleotide variant.
Coding change: c.2360A>G on transcript NM_004304.5 (MANE Select); coding-DNA position 2360, A replaced by G.
Protein change: p.Asn787Ser; replaces asparagine 787 with serine.
Molecular consequence: missense variant.
Genome position (GRCh38, 1-based): chr2:29,233,692, T>C on the plus strand (A>G on the coding strand, the complement: ALK is on the minus strand). VCF-style: chr2-29233692-T-C. GRCh37 (hg19) VCF-style: chr2-29456558-T-C.
Other names: c.2360A>G (NM_004304.4); short protein forms N787S.
Identifiers: ClinVar variation 2769350 (VCV002769350.4), dbSNP rs2465990054, ClinGen allele CA346472581.

ClinVar aggregate classification (germline): Uncertain significance. Review status: criteria provided, multiple submitters, no conflicts (2 of 4 stars). 2 submissions from 2 submitters: Uncertain significance (2). Last evaluated 2025-08-20.

Conditions:
Hereditary cancer-predisposing syndrome. Also called: Hereditary neoplastic syndrome; Hereditary Cancer Syndrome; Neoplastic Syndromes, Hereditary; Tumor predisposition. Identifiers: Orphanet 140162, MedGen C0027672, MeSH D009386, MONDO:0015356.
Neuroblastoma, susceptibility to, 3. Also called: ALK-Related Neuroblastic Tumor Susceptibility. Identifiers: Orphanet 635, MedGen C2751681, MONDO:0013083, OMIM 613014.

Submissions (2):

Ambry Genetics
Classification: Uncertain significance for Hereditary cancer-predisposing syndrome. Last evaluated: 2025-08-20. Review status: criteria provided, single submitter. Criteria: Ambry Variant Classification Scheme 2023. Collection method: clinical testing. Allele origin: germline.
Comment: The p.N787S variant (also known as c.2360A>G), located in coding exon 14 of the ALK gene, results from an A to G substitution at nucleotide position 2360. The asparagine at codon 787 is replaced by serine, an amino acid with highly similar properties. This amino acid position is conserved. In addition, this alteration is predicted to be tolerated by in silico analysis. Based on the available evidence, the clinical significance of this variant remains unclear.

Labcorp Genetics (formerly Invitae), Labcorp
Classification: Uncertain significance for Neuroblastoma, susceptibility to, 3. Last evaluated: 2023-10-17. Review status: criteria provided, single submitter. Criteria: Invitae Variant Classification Sherloc (09022015). Collection method: clinical testing. Allele origin: germline.
Comment: This sequence change replaces asparagine, which is neutral and polar, with serine, which is neutral and polar, at codon 787 of the ALK protein (p.Asn787Ser). This variant is not present in population databases (gnomAD no frequency). This variant has not been reported in the literature in individuals affected with ALK-related conditions. Algorithms developed to predict the effect of missense changes on protein structure and function output the following: SIFT: "Not Available"; PolyPhen-2: "Benign"; Align-GVGD: "Not Available". The serine amino acid residue is found in multiple mammalian species, which suggests that this missense change does not adversely affect protein function. In summary, the available evidence is currently insufficient to determine the role of this variant in disease. Therefore, it has been classified as a Variant of Uncertain Significance.